The following is an entry in ClinVar:

ClinVar aggregate classification (germline): Uncertain significance (1 of 4 stars; one submission).

Conditions:
Hereditary cancer-predisposing syndrome. Also called: Neoplastic Syndromes, Hereditary; Tumor predisposition; Hereditary neoplastic syndrome; Hereditary Cancer Syndrome. Identifiers: Orphanet 140162, MedGen C0027672, MeSH D009386, MONDO:0015356.

Submission:

Ambry Genetics
Classification: Uncertain significance for Hereditary cancer-predisposing syndrome. Last evaluated: 2026-07-24. Review status: criteria provided, single submitter. Criteria: Ambry Variant Classification Scheme 2023. Collection method: clinical testing. Allele origin: germline.
Comment: The p.S1465G variant (also known as c.4393A>G), located in coding exon 15 of the APC gene, results from an A to G substitution at nucleotide position 4393. The serine at codon 1465 is replaced by glycine, an amino acid with similar properties. This amino acid position is conserved. In addition, in silico predictors for this gene do not accurately predict pathogenicity. Based on the available evidence, the clinical significance of this variant remains unclear.

NM_000038.6(APC):c.4393A>G (p.Ser1465Gly)

Gene: APC (APC regulator of Wnt signaling pathway; plus strand). Cytogenetic location: 5q22.2.
Variant type: single nucleotide variant.
Coding change: c.4393A>G on transcript NM_000038.6 (MANE Select); coding-DNA position 4393, A replaced by G.
Protein change: p.Ser1465Gly; replaces serine 1465 with glycine.
Molecular consequence: missense variant. On other transcripts: non-coding transcript variant (2).
Genome position (GRCh38, 1-based): chr5:112,839,987, A>G. VCF-style: chr5-112839987-A-G. GRCh37 (hg19) VCF-style: chr5-112175684-A-G.
Other names: c.4090A>G, p.Ser1364Gly (NM_001354903.2, NM_001407458.1, NM_001407459.1 and 1 more transcripts); c.4015A>G, p.Ser1339Gly (NM_001354904.2); c.3913A>G, p.Ser1305Gly (NM_001354905.2); c.3544A>G, p.Ser1182Gly (NM_001354906.2, NM_001407470.1); c.4477A>G, p.Ser1493Gly (NM_001407446.1); c.4447A>G, p.Ser1483Gly (NM_001407447.1, NM_001407448.1, NM_001407449.1 and 1 more transcripts); c.4393A>G, p.Ser1465Gly (NM_001407450.1, NM_001354895.2, NM_001127510.3); c.4372A>G, p.Ser1458Gly (NM_001407451.1); and 11 more; short protein forms S1364G, S1424G, S1458G, S1493G, S1382G, S1406G, S1447G, S1081G.
Identifiers: ClinVar variation 5025525 (VCV005025525.1).
Genomic context (GRCh38, chr5:112,839,987, plus strand): 5'-ACAGCTCAAACCAAGCGAGAAGTACCTAAAAATAAAGCACCTACTGCTGAAAAGAGAGAG[A>G]GTGGACCTAAGCAAGCTGCAGTAAATGCTGCAGTTCAGAGGGTCCAGGTTCTTCCAGATG-3'
Protein context (NP_000029.2, residues 1455-1475): NKAPTAEKRE[Ser1465Gly]GPKQAAVNAA